The following is an entry in ClinVar:

NM_001035.3(RYR2):c.11318T>C (p.Val3773Ala)

Gene: RYR2 (ryanodine receptor 2; plus strand). Cytogenetic location: 1q43.
Variant type: single nucleotide variant.
Coding change: c.11318T>C on transcript NM_001035.3 (MANE Select); coding-DNA position 11318, T replaced by C.
Protein change: p.Val3773Ala; replaces valine 3773 with alanine.
Molecular consequence: missense variant.
Genome position (GRCh38, 1-based): chr1:237,757,769, T>C. VCF-style: chr1-237757769-T-C. GRCh37 (hg19) VCF-style: chr1-237921069-T-C.
Other names: p.V3773A:GTA>GCA; c.11318T>C, p.Val3773Ala (LRG_402t1); short protein forms V3773A.
Identifiers: ClinVar variation 201311 (VCV000201311.3), dbSNP rs794728774, ClinGen allele CA006951.
Genomic context (GRCh38, chr1:237,757,769, plus strand): 5'-CAATGGTAGCAGCTACTCTGAAACTTGGAATTGCTATTTTAAATGGTGGGAACTCCACAG[T>C]ACAGCAGGTAACAGCTTCCAGTCATTCATATAATGTACTTTTCAGACAAATGGACCATAT-3'
Protein context (NP_001026.2, residues 3763-3783): IAILNGGNST[Val3773Ala]QQKMLDYLKE

ClinVar aggregate classification (germline): Uncertain significance (1 of 4 stars; one submission).

Submission:

GeneDx
Classification: Uncertain significance. Last evaluated: 2023-02-23. Review status: criteria provided, single submitter. Criteria: GeneDx Variant Classification Process June 2021. Collection method: clinical testing. Allele origin: germline. Affected: yes.
Comment: Not observed at significant frequency in large population cohorts (gnomAD); Not located in one of the three hot-spot regions of the RYR2 gene, where the majority of pathogenic missense variants occur (Medeiros-Domingo et al., 2009); In silico analysis supports that this missense variant has a deleterious effect on protein structure/function; This variant is associated with the following publications: (PMID: 31535183, 35863979)